The following is an entry in ClinVar:

ClinVar aggregate classification (germline): Uncertain significance (1 of 4 stars; one submission).

Submission:

GeneDx
Classification: Uncertain significance. Last evaluated: 2023-06-20. Review status: criteria provided, single submitter. Criteria: GeneDx Variant Classification Process June 2021. Collection method: clinical testing. Allele origin: germline. Affected: yes.
Comment: Not observed at significant frequency in large population cohorts (gnomAD); Has not been previously published as pathogenic or benign to our knowledge; In silico analysis is inconclusive as to whether the variant alters gene splicing. In the absence of RNA/functional studies, the actual effect of this sequence change is unknown.

NM_014874.4(MFN2):c.709-9T>A

Gene: MFN2 (mitofusin 2; plus strand). Cytogenetic location: 1p36.22.
Variant type: single nucleotide variant.
Coding change: c.709-9T>A on transcript NM_014874.4 (MANE Select); 9 bases into the intron before coding-DNA position 709, T replaced by A.
Molecular consequence: intron variant.
Genome position (GRCh38, 1-based): chr1:11,998,979, T>A. VCF-style: chr1-11998979-T-A. GRCh37 (hg19) VCF-style: chr1-12059036-T-A.
Other names: c.709-9T>A (NM_001127660.2).
Identifiers: ClinVar variation 3359949 (VCV003359949.1).